The following is an entry in ClinVar:

NM_001206744.2(TPO):c.1747G>T (p.Gly583Cys)

Genes: LALTOP (lung cancer associated lncRNA targeting TOP2A; minus strand), TPO (thyroid peroxidase; plus strand). Cytogenetic location: 2p25.3.
Variant type: single nucleotide variant.
Coding change: c.1747G>T on transcript NM_001206744.2 (MANE Select); coding-DNA position 1747, G replaced by T.
Protein change: p.Gly583Cys; replaces glycine 583 with cysteine.
Molecular consequence: missense variant. On other transcripts: intron variant (2).
Genome position (GRCh38, 1-based): chr2:1,487,970, G>T. VCF-style: chr2-1487970-G-T. GRCh37 (hg19) VCF-style: chr2-1491742-G-T.
Other names: c.1747G>T, p.Gly583Cys (NM_000547.6, NM_175721.3); c.1228G>T, p.Gly410Cys (NM_175722.3); c.1597+3116G>T (NM_175719.4, NM_001206745.2); short protein forms G410C, G583C.
Identifiers: ClinVar variation 931713 (VCV000931713.3), dbSNP rs1671335901, ClinGen allele CA345695969.
Genomic context (GRCh38, chr2:1,487,970, plus strand): 5'-AGGCTCTTTGTGCTGTCCAATTCCAGCACCTTGGATCTGGCGTCCATCAACCTGCAGAGG[G>T]GCCGGGACCACGGGCTGCCAGGTCTGCCAGTTCCTTCCCTTGCACACCTCATGCAGCTGC-3'
Protein context (NP_001193673.1, residues 573-593): LDLASINLQR[Gly583Cys]RDHGLPGYNE

ClinVar aggregate classification (germline): Uncertain significance (1 of 4 stars; one submission).

Conditions:
Deficiency of iodide peroxidase (TDH2A). Also called: Thyroid dyshormonogenesis 2A; HYPOTHYROIDISM, CONGENITAL, DUE TO DYSHORMONOGENESIS, 2A; IODIDE PEROXIDASE DEFICIENCY; THYROID HORMONOGENESIS, GENETIC DEFECT IN, 2A; THYROID PEROXIDASE DEFICIENCY. Identifiers: Orphanet 95716, MedGen C1291299, MONDO:0010133, OMIM 274500.

Allele frequency attached by ClinVar (database versions not stated): gnomAD exomes below 0.00001.
gnomAD v4.1: 5 of 1,613,628 alleles (0.00031%); highest among the groups gnomAD compares: Non-Finnish European, 0.00034%; no homozygotes.

Submission:

Centre for Mendelian Genomics, University Medical Centre Ljubljana
Classification: Uncertain significance for Deficiency of iodide peroxidase. Last evaluated: 2019-09-17. Review status: criteria provided, single submitter. Criteria: ACMG Guidelines, 2015. Collection method: clinical testing. Allele origin: unknown. Affected: yes.
Comment: This variant was classified as: Uncertain significance. The available evidence favors the pathogenic nature of this variant, however the currently available data is insufficient to conclusively support its pathogenic nature. Thus this variant is classified as Uncertain significance - favor pathogenic. The following ACMG criteria were applied in classifying this variant: PP4,PP2,PP3.